The following is an entry in ClinVar:

NM_017868.4(TTC12):c.1295T>C (p.Leu432Pro)

Gene: TTC12 (tetratricopeptide repeat domain 12; plus strand). Cytogenetic location: 11q23.2.
Variant type: single nucleotide variant.
Coding change: c.1295T>C on transcript NM_017868.4 (MANE Select); coding-DNA position 1295, T replaced by C.
Protein change: p.Leu432Pro; replaces leucine 432 with proline.
Molecular consequence: missense variant. On other transcripts: non-coding transcript variant (3).
Genome position (GRCh38, 1-based): chr11:113,351,286, T>C. VCF-style: chr11-113351286-T-C. GRCh37 (hg19) VCF-style: chr11-113222008-T-C.
Other names: c.1313T>C, p.Leu438Pro (NM_001318533.2); c.1220T>C, p.Leu407Pro (NM_001352037.2); c.1298T>C, p.Leu433Pro (NM_001378063.1); c.1295T>C, p.Leu432Pro (NM_001378064.1, NM_001378065.1); short protein forms L407P, L432P, L438P, L433P.
Identifiers: ClinVar variation 2287469 (VCV002287469.2), dbSNP rs2548776000, ClinGen allele CA382643437.
Genomic context (GRCh38, chr11:113,351,286, plus strand): 5'-GGTTTCTCAACAGATTCCAAGTCTGGTTCCAGGCCAACCTTCCAGGTGTTCTCCCTGCAC[T>C]CACAGGCGTTCTGGTGAGCAAACTGTCATTTTCATCCTCTGTAACAGACACTCTCAGGAG-3'
Protein context (NP_060338.3, residues 422-442): QANLPGVLPA[Leu432Pro]TGVLKTDPKV

ClinVar aggregate classification (germline): Uncertain significance (1 of 4 stars; one submission).

Conditions:
Inborn genetic diseases. Identifiers: MedGen C0950123, MeSH D030342.

Submission:

Ambry Genetics
Classification: Uncertain significance for Inborn genetic diseases. Last evaluated: 2022-06-10. Review status: criteria provided, single submitter. Criteria: Ambry Variant Classification Scheme 2023. Collection method: clinical testing. Allele origin: germline.
Comment: The c.1295T>C (p.L432P) alteration is located in exon 15 (coding exon 14) of the TTC12 gene. This alteration results from a T to C substitution at nucleotide position 1295, causing the leucine (L) at amino acid position 432 to be replaced by a proline (P). This variant was not reported in population-based cohorts in the Genome Aggregation Database (gnomAD). This amino acid position is not well conserved in available vertebrate species. This alteration is predicted to be tolerated by in silico analysis. Based on insufficient or conflicting evidence, the clinical significance of this alteration remains unclear.